The following is an entry in ClinVar:

ClinVar aggregate classification (germline): Uncertain significance (1 of 4 stars; one submission).

Conditions:
Ataxia-telangiectasia-like disorder (ATLD). Identifiers: MedGen C1858391, MONDO:0011457.

Submission:

Labcorp Genetics (formerly Invitae), Labcorp
Classification: Uncertain significance for Ataxia-telangiectasia-like disorder. Last evaluated: 2023-02-26. Review status: criteria provided, single submitter. Criteria: Invitae Variant Classification Sherloc (09022015). Collection method: clinical testing. Allele origin: germline.
Comment: In summary, the available evidence is currently insufficient to determine the role of this variant in disease. Therefore, it has been classified as a Variant of Uncertain Significance. An algorithm developed to predict the effect of missense changes on protein structure and function (PolyPhen-2) suggests that this variant is likely to be tolerated. This variant has not been reported in the literature in individuals affected with MRE11-related conditions. This variant is not present in population databases (gnomAD no frequency). This sequence change replaces alanine, which is neutral and non-polar, with valine, which is neutral and non-polar, at codon 614 of the MRE11 protein (p.Ala614Val).

NM_005591.4(MRE11):c.1841C>T (p.Ala614Val)

Gene: MRE11 (MRE11 double strand break repair nuclease; minus strand). Cytogenetic location: 11q21.
Variant type: single nucleotide variant.
Coding change: c.1841C>T on transcript NM_005591.4 (MANE Select); coding-DNA position 1841, C replaced by T.
Protein change: p.Ala614Val; replaces alanine 614 with valine.
Molecular consequence: missense variant. On other transcripts: intron variant (1).
Genome position (GRCh38, 1-based): chr11:94,445,836, G>A on the plus strand (C>T on the coding strand, the complement: MRE11 is on the minus strand). VCF-style: chr11-94445836-G-A. GRCh37 (hg19) VCF-style: chr11-94179002-G-A.
Other names: c.1838C>T, p.Ala613Val (NM_001330347.2); c.1783+1383C>T (NM_005590.4); short protein forms A613V, A614V.
Identifiers: ClinVar variation 2841058 (VCV002841058.3), dbSNP rs2496280024, ClinGen allele CA382366493.